The following is an entry in ClinVar:

ClinVar aggregate classification (germline): Uncertain significance. Review status: criteria provided, multiple submitters, no conflicts (2 of 4 stars). 2 submissions from 2 submitters: Uncertain significance (2). Last evaluated 2026-02-26.

Conditions:
Dilated cardiomyopathy 1II (CMD1II). Identifiers: Orphanet 154, MedGen C3554649, MONDO:0014073, OMIM 615184.
Cardiovascular phenotype. Identifiers: MedGen CN230736.

Allele frequency attached by ClinVar (database versions not stated): gnomAD exomes below 0.00001; TOPMed below 0.00001; gnomAD 0.00001.
gnomAD v4.1: 2 of 1,613,274 alleles (0.00012%); highest among the groups gnomAD compares: African/African-American, 0.0027%; no homozygotes.

Submissions (2):

Ambry Genetics
Classification: Uncertain significance for Cardiovascular phenotype. Last evaluated: 2026-02-26. Review status: criteria provided, single submitter. Criteria: Ambry Variant Classification Scheme 2023. Collection method: clinical testing. Allele origin: germline.

Labcorp Genetics (formerly Invitae), Labcorp
Classification: Uncertain significance for Dilated cardiomyopathy 1II. Last evaluated: 2022-09-27. Review status: criteria provided, single submitter. Criteria: Invitae Variant Classification Sherloc (09022015). Collection method: clinical testing. Allele origin: germline.
Comment: In summary, the available evidence is currently insufficient to determine the role of this variant in disease. Therefore, it has been classified as a Variant of Uncertain Significance. Algorithms developed to predict the effect of missense changes on protein structure and function output the following: SIFT: "Tolerated"; PolyPhen-2: "Benign"; Align-GVGD: "Class C0". The alanine amino acid residue is found in multiple mammalian species, which suggests that this missense change does not adversely affect protein function. ClinVar contains an entry for this variant (Variation ID: 1051588). This variant has not been reported in the literature in individuals affected with CRYAB-related conditions. This variant is not present in population databases (gnomAD no frequency). This sequence change replaces serine, which is neutral and polar, with alanine, which is neutral and non-polar, at codon 43 of the CRYAB protein (p.Ser43Ala).

NM_001289808.2(CRYAB):c.127T>G (p.Ser43Ala)

Gene: CRYAB (crystallin alpha B; minus strand). Cytogenetic location: 11q23.1.
Variant type: single nucleotide variant.
Coding change: c.127T>G on transcript NM_001289808.2 (MANE Select); coding-DNA position 127, T replaced by G.
Protein change: p.Ser43Ala; replaces serine 43 with alanine.
Molecular consequence: missense variant.
Genome position (GRCh38, 1-based): chr11:111,911,598, A>C on the plus strand (T>G on the coding strand, the complement: CRYAB is on the minus strand). VCF-style: chr11-111911598-A-C. GRCh37 (hg19) VCF-style: chr11-111782322-A-C.
Other names: c.127T>G (NM_001885.1); c.127T>G, p.Ser43Ala (NM_001289807.1, NM_001368245.1, NM_001885.3); short protein forms S43A.
Identifiers: ClinVar variation 1051588 (VCV001051588.10), dbSNP rs1359865460, ClinGen allele CA382600525.